The following is an entry in ClinVar:

NM_001145809.2(MYH14):c.4654G>A (p.Glu1552Lys)

Gene: MYH14 (myosin heavy chain 14; plus strand). Cytogenetic location: 19q13.33.
Variant type: single nucleotide variant.
Coding change: c.4654G>A on transcript NM_001145809.2 (MANE Select); coding-DNA position 4654, G replaced by A.
Protein change: p.Glu1552Lys; replaces glutamic acid 1552 with lysine.
Molecular consequence: missense variant.
Genome position (GRCh38, 1-based): chr19:50,286,596, G>A. VCF-style: chr19-50286596-G-A. GRCh37 (hg19) VCF-style: chr19-50789853-G-A.
Other names: c.4555G>A, p.Glu1519Lys (NM_001077186.2); c.4531G>A, p.Glu1511Lys (NM_024729.4); short protein forms E1511K, E1519K, E1552K.
Identifiers: ClinVar variation 3342168 (VCV003342168.16).

ClinVar aggregate classification (germline): Uncertain significance (1 of 4 stars; one submission).

gnomAD v4.1: 4 of 1,606,084 alleles (0.00025%); highest among the groups gnomAD compares: African/African-American, 0.0027%; no homozygotes.

Submission:

CeGaT Center for Human Genetics Tuebingen
Classification: Uncertain significance. Last evaluated: 2024-09-01. Review status: criteria provided, single submitter. Criteria: CeGaT Center For Human Genetics Tuebingen Variant Classification Criteria Version 2. Collection method: clinical testing. Allele origin: germline. Affected: yes. Observed: 1 variant allele.
Comment: MYH14: PM2:Supporting, PP3